The following is an entry in ClinVar:

NM_152383.5(DIS3L2):c.1573del (p.Val525fs)

Gene: DIS3L2 (DIS3 like 3'-5' exoribonuclease 2; plus strand). Cytogenetic location: 2q37.1.
Variant type: Deletion.
Coding change: c.1573del on transcript NM_152383.5 (MANE Select); coding-DNA position 1573, one base deleted (G; older notation c.1573delG).
Protein change: p.Val525fs; shifts the reading frame from valine 525.
Molecular consequence: frameshift variant. On other transcripts: non-coding transcript variant (2).
Genome position (GRCh38, 1-based): chr2:232,263,354, G deleted; the last of 2 consecutive G bases (chr2:232,263,353-232,263,354); deleting either gives the same sequence. VCF-style (leftmost placement, unchanged base first): chr2-232263352-AG-A. GRCh37 (hg19) VCF-style: chr2-233128062-AG-A.
Other names: c.1573del, p.Val525fs (NM_001257281.2); short protein forms V525fs.
Identifiers: ClinVar variation 849174 (VCV000849174.7), dbSNP rs1693769972, ClinGen allele CA916081398.
Genomic context (GRCh38, chr2:232,263,352, plus strand): 5'-CAACTGAGAAAATCCCTGCGAAAGAGCTGCCCCCCATTTCCCCAGAGCATAGCAGCGAGG[AG>A]GTACACCAGGCCGTCTTGAATCTCCACGGAATTGCCAAGCAGTTACGCCAGCAGCGCTTT-3'

ClinVar aggregate classification (germline): Pathogenic (1 of 4 stars; one submission).

Conditions:
Perlman syndrome (PRLMNS). Identifiers: Orphanet 2849, MedGen C0796113, MONDO:0009965, OMIM 267000.

Submission:

Labcorp Genetics (formerly Invitae), Labcorp
Classification: Pathogenic for Perlman syndrome. Last evaluated: 2022-11-15. Review status: criteria provided, single submitter. Criteria: Invitae Variant Classification Sherloc (09022015). Collection method: clinical testing. Allele origin: germline.
Comment: This sequence change creates a premature translational stop signal (p.Val525Tyrfs*6) in the DIS3L2 gene. It is expected to result in an absent or disrupted protein product. Loss-of-function variants in DIS3L2 are known to be pathogenic (PMID: 22306653, 28328139). This variant is not present in population databases (gnomAD no frequency). This variant has not been reported in the literature in individuals affected with DIS3L2-related conditions. ClinVar contains an entry for this variant (Variation ID: 849174). For these reasons, this variant has been classified as Pathogenic.

Literature cited by the submitters: PubMed 22306653; PubMed 28328139.